The following is an entry in ClinVar:

NM_001083961.2(WDR62):c.700-17G>A

Gene: WDR62 (WD repeat domain 62; plus strand). Cytogenetic location: 19q13.12.
Variant type: single nucleotide variant.
Coding change: c.700-17G>A on transcript NM_001083961.2 (MANE Select); 17 bases into the intron before coding-DNA position 700, G replaced by A.
Molecular consequence: intron variant.
Genome position (GRCh38, 1-based): chr19:36,067,811, G>A. VCF-style: chr19-36067811-G-A. GRCh37 (hg19) VCF-style: chr19-36558713-G-A.
Other names: c.700-17G>A (NM_173636.5).
Identifiers: ClinVar variation 1030120 (VCV001030120.1), dbSNP rs767694830, ClinGen allele CA9395365.
Genomic context (GRCh38, chr19:36,067,811, plus strand): 5'-TTGTTGTGTCCTATCATCTGGTCATGCAGGGCCCAGCTGTGTGGACAAGTATCTCACTAC[G>A]CCCTCTGTGTCTCCAGGTGACGAGCACAGTGCCCCTTGTAGGGCGCTCGGGCATCCTGGG-3'

ClinVar aggregate classification (germline): Uncertain significance (1 of 4 stars; one submission).

Conditions:
Microcephaly 2, primary, autosomal recessive, with or without cortical malformations. Also called: MICROCEPHALY 2, PRIMARY, AUTOSOMAL RECESSIVE, WITH CORTICAL MALFORMATIONS; WDR62 Primary Microcephaly. Identifiers: Orphanet 2512, MedGen C1858535, MONDO:0011435, OMIM 604317.

Allele frequency attached by ClinVar (database versions not stated): ExAC 0.00001; gnomAD exomes 0.00001; TOPMed 0.00001.
gnomAD v4.1: 9 of 1,613,330 alleles (0.00056%); highest among the groups gnomAD compares: African/African-American, 0.0013%; no homozygotes.

Submission:

Baylor Genetics
Classification: Uncertain significance for Microcephaly 2, primary, autosomal recessive, with or without cortical malformations. Last evaluated: 2019-12-04. Review status: criteria provided, single submitter. Criteria: ACMG Guidelines, 2015. Collection method: clinical testing. Allele origin: unknown. Affected: yes.
Comment: This variant was determined to be of uncertain significance according to ACMG Guidelines, 2015 [PMID:25741868].